The following is an entry in ClinVar:

NM_003482.4(KMT2D):c.11568GCA[7] (p.Gln3863_His3864insGlnGln)

Gene: KMT2D (lysine methyltransferase 2D; minus strand). Cytogenetic location: 12q13.12.
Variant type: Microsatellite.
Coding change: c.11568GCA[7] on transcript NM_003482.4 (MANE Select); seven copies in a row of the 3-base unit GCA starting at c.11568; the reference has five copies in a row; two copies, 6 bases duplicated.
Protein change: p.Gln3863_His3864insGlnGln.
Molecular consequence: inframe insertion.
Genome position (GRCh38, 1-based): chr12:49,033,123-49,033,128, TGCTGC duplicated on the plus strand (GCAGCA on the coding strand, the reverse complement: KMT2D is on the minus strand); duplicating any 6 consecutive bases within chr12:49,033,123-49,033,139 gives the same sequence; the position shown is the placement nearest the transcript's 3' end. VCF-style (leftmost placement, unchanged base first): chr12-49033122-T-TTGCTGC. GRCh37 (hg19) VCF-style: chr12-49426905-T-TTGCTGC.
Identifiers: ClinVar variation 2728193 (VCV002728193.3), dbSNP rs748986705, ClinGen allele CA605233632.
Genomic context (GRCh38, chr12:49,033,122, plus strand): 5'-CATCAGACTCTGCTGAAGATGGGACAGCCCTGCCATGGACCCTTGCTGTTGGTGCTGTTG[T>TTGCTGC]TGCTGCTGCTGCTGCTGGGCTGTGACCAGCCTGTGTCCCATAAGGCCCTGACCCTGCTGT-3'

ClinVar aggregate classification (germline): Uncertain significance (1 of 4 stars; one submission).

Conditions:
Kabuki syndrome. Also called: NIIKAWA-KUROKI SYNDROME; Kabuki make-up syndrome. Identifiers: Orphanet 2322, MedGen C0796004, MONDO:0016512.

Submission:

Labcorp Genetics (formerly Invitae), Labcorp
Classification: Uncertain significance for Kabuki syndrome. Last evaluated: 2023-08-30. Review status: criteria provided, single submitter. Criteria: Invitae Variant Classification Sherloc (09022015). Collection method: clinical testing. Allele origin: germline.
Comment: In summary, the available evidence is currently insufficient to determine the role of this variant in disease. Therefore, it has been classified as a Variant of Uncertain Significance. This variant has not been reported in the literature in individuals affected with KMT2D-related conditions. This variant is present in population databases (no rsID available, gnomAD 0.006%). This variant, c.11577_11582dup, results in the insertion of 2 amino acid(s) of the KMT2D protein (p.Gln3862_Gln3863dup), but otherwise preserves the integrity of the reading frame.